The following is an entry in ClinVar:

NM_138694.4(PKHD1):c.1513-1G>A

Gene: PKHD1 (PKHD1 ciliary IPT domain containing fibrocystin/polyductin; minus strand). Cytogenetic location: 6p12.2.
Variant type: single nucleotide variant.
Coding change: c.1513-1G>A on transcript NM_138694.4 (MANE Select); the canonical splice acceptor site of the intron before coding-DNA position 1513, G replaced by A.
Molecular consequence: splice acceptor variant.
Genome position (GRCh38, 1-based): chr6:52,056,980, C>T on the plus strand (G>A on the coding strand, the complement: PKHD1 is on the minus strand). VCF-style: chr6-52056980-C-T. GRCh37 (hg19) VCF-style: chr6-51921778-C-T.
Other names: c.1513-1G>A (NM_170724.3).
Identifiers: ClinVar variation 2833561 (VCV002833561.4), dbSNP rs2533343847, ClinGen allele CA364425410.

ClinVar aggregate classification (germline): Pathogenic/Likely pathogenic. Review status: criteria provided, multiple submitters, no conflicts (2 of 4 stars). 2 submissions from 2 submitters: Pathogenic (1); Likely pathogenic (1). Last evaluated 2025-10-03.

Conditions:
Autosomal recessive polycystic kidney disease (ARPKD). Also called: AR polycystic kidney disease. Identifiers: Orphanet 731, Orphanet 8378, MedGen C0085548, MeSH D017044, MONDO:0009889.
Polycystic kidney disease 4 (PKD4). Also called: POLYCYSTIC KIDNEY DISEASE 4 WITH OR WITHOUT POLYCYSTIC LIVER DISEASE; POLYCYSTIC KIDNEY AND HEPATIC DISEASE 1; POLYCYSTIC KIDNEY DISEASE, INFANTILE, TYPE I; PKD3; Autosomal Recessive Polycystic Kidney Disease – PKHD1. Identifiers: MedGen C4540575, MONDO:0033004, OMIM 263200.

Submissions (2):

Rare Kidney Stone Consortium and the Mayo Clinic Hyperoxaluria Center, Mayo Clinic
Classification: Pathogenic for Polycystic kidney disease 4. Last evaluated: 2025-10-03. Review status: criteria provided, single submitter. Criteria: ACMG Guidelines, 2015. Collection method: research. Allele origin: germline. Affected: yes. Observed: 2 variant alleles.
Comment: ACMG:PVS1, PM2, PM6, PP4

Labcorp Genetics (formerly Invitae), Labcorp
Classification: Likely pathogenic for Autosomal recessive polycystic kidney disease. Last evaluated: 2023-02-01. Review status: criteria provided, single submitter. Criteria: Invitae Variant Classification Sherloc (09022015). Collection method: clinical testing. Allele origin: germline.
Comment: This sequence change affects an acceptor splice site in intron 16 of the PKHD1 gene. It is expected to disrupt RNA splicing. Variants that disrupt the donor or acceptor splice site typically lead to a loss of protein function (PMID: 16199547), and loss-of-function variants in PKHD1 are known to be pathogenic (PMID: 19940839). This variant is not present in population databases (gnomAD no frequency). This variant has not been reported in the literature in individuals affected with PKHD1-related conditions. Algorithms developed to predict the effect of sequence changes on RNA splicing suggest that this variant may disrupt the consensus splice site. In summary, the currently available evidence indicates that the variant is pathogenic, but additional data are needed to prove that conclusively. Therefore, this variant has been classified as Likely Pathogenic.

Literature cited by the submitters: PubMed 40794449 (cited by Rare Kidney Stone Consortium and the Mayo Clinic Hyperoxaluria Center, Mayo Clinic); PubMed 16199547 (cited by Labcorp Genetics (formerly Invitae), Labcorp); PubMed 19940839 (cited by Labcorp Genetics (formerly Invitae), Labcorp).